The following is an entry in ClinVar:

ClinVar aggregate classification (germline): Conflicting classifications of pathogenicity. Review status: criteria provided, conflicting classifications (1 of 4 stars). 4 submissions from 4 submitters: Likely pathogenic (2); Uncertain significance (1). 1 of the submissions does not count toward it. Last evaluated 2024-10-28.

Conditions:
Early-onset myopathy with fatal cardiomyopathy (CMYO5). Also called: Salih Myopathy; CONGENITAL MYOPATHY 5 WITH CARDIOMYOPATHY. Identifiers: Orphanet 289377, MedGen C2673677, MONDO:0012714, OMIM 611705. Disease mechanism: loss of function.
Hypertrophic cardiomyopathy 9. Also called: Familial hypertrophic cardiomyopathy 9. Identifiers: MedGen C1861065, MONDO:0013412, OMIM 613765.
Myopathy, myofibrillar, 9, with early respiratory failure (MFM9). Also called: Hereditary myopathy with early respiratory failure; EDSTROM MYOPATHY; MYOPATHY, PROXIMAL, WITH EARLY RESPIRATORY MUSCLE INVOLVEMENT; Myopathy, distal, with early respiratory failure, autosomal dominant. Identifiers: Orphanet 178464, Orphanet 34521, MedGen C1863599, MONDO:0011362, OMIM 603689.
Tibial muscular dystrophy (TMD). Also called: Tibial muscular dystrophy, tardive; UDD MYOPATHY; Udd Distal Myopathy – Tibial Muscular Dystrophy. Identifiers: Orphanet 609, MedGen C1838244, MONDO:0010870, OMIM 600334.
Dilated cardiomyopathy 1G (CMD1G). Identifiers: Orphanet 154, MedGen C1858763, MONDO:0011400, OMIM 604145.
Autosomal recessive limb-girdle muscular dystrophy type 2J (LGMDR10). Also called: Limb-girdle muscular dystrophy, type 2J; MUSCULAR DYSTROPHY, LIMB-GIRDLE, AUTOSOMAL RECESSIVE 10. Identifiers: Orphanet 140922, MedGen C1837342, MONDO:0012127, OMIM 608807.
TTN-related disorder. Also called: TTN-related condition; TTN-related disease; TTN-related disorders.

Allele frequency attached by ClinVar (database versions not stated): gnomAD exomes below 0.00001 and 0.00001.

Submissions (4):

Labcorp Genetics (formerly Invitae), Labcorp
Classification: Likely pathogenic for Dilated cardiomyopathy 1G; Autosomal recessive limb-girdle muscular dystrophy type 2J. Last evaluated: 2024-10-28. Review status: criteria provided, single submitter. Criteria: Invitae Variant Classification Sherloc (09022015). Collection method: clinical testing. Allele origin: germline.
Comment: This sequence change creates a premature translational stop signal (p.Met7597Valfs*15) in the TTN gene. While this is not anticipated to result in nonsense mediated decay, it is expected to create a truncated TTN protein. This variant is present in population databases (no rsID available, gnomAD 0.0009%). This premature translational stop signal has been observed in individual(s) with fetal akinesia (PMID: 28424332). This variant is also known as chr2: 179,586,600 CAT>C. ClinVar contains an entry for this variant (Variation ID: 1502994). This variant is located in the I band of TTN (PMID: 25589632). Truncating variants in this region have been reported in individuals affected with autosomal recessive centronuclear myopathy (PMID: 23975875, internal data). Truncating variants in this region have also been identified in individuals affected with autosomal dominant dilated cardiomyopathy and/or cardio-related conditions (PMID: 27869827, 32964742, internal data). In summary, the currently available evidence indicates that the variant is pathogenic, but additional data are needed to prove that conclusively. Therefore, this variant has been classified as Likely Pathogenic.

Department of Pathology and Laboratory Medicine, Sinai Health System
Classification: Likely pathogenic for Tibial muscular dystrophy; Autosomal recessive limb-girdle muscular dystrophy type 2J; Dilated cardiomyopathy 1G; Early-onset myopathy with fatal cardiomyopathy; Myopathy, myofibrillar, 9, with early respiratory failure; Hypertrophic cardiomyopathy 9. Last evaluated: 2023-08-04. Review status: criteria provided, single submitter. Criteria: ACMG Guidelines, 2015. Collection method: research. Allele origin: germline.

Fulgent Genetics
Classification: Uncertain significance for Tibial muscular dystrophy; Myopathy, myofibrillar, 9, with early respiratory failure; Dilated cardiomyopathy 1G; Autosomal recessive limb-girdle muscular dystrophy type 2J; Early-onset myopathy with fatal cardiomyopathy; Hypertrophic cardiomyopathy 9. Last evaluated: 2021-07-18. Review status: criteria provided, single submitter. Criteria: ACMG Guidelines, 2015. Collection method: clinical testing. Allele origin: unknown.

PreventionGenetics, part of Exact Sciences
Classification: Likely pathogenic for TTN-related condition. Last evaluated: 2024-09-06. Review status: no assertion criteria provided. Collection method: clinical testing. Allele origin: germline. Not counted in ClinVar's aggregate classification.
Comment: The TTN c.22789_22790delAT variant is predicted to result in a frameshift and premature protein termination (p.Met7597Valfs*15). This variant has been reported in the compound heterozygous state with a second TTN variant in a single patient with autosomal recessive fetal akinesia (Cummings et al. 2017. PubMed ID: 28424332; Oates et al. 2018. PubMed ID: 29691892; Savarese et al. 2020. PubMed ID: 32778822). Heterozygous carrier parent and grandparent with this variant were both noted to have normal echocardiogram and no cardiac phenotypes (Oates et al. 2018. PubMed ID: 29691892). This variant is located in exon 78, which is part of the I-band of the TTN protein. RNAseq studies from heart tissue indicate this exon is commonly excluded from TTN mRNA transcripts (PSI of 35%, Roberts et al. 2015. PMID: 25589632). TTN truncating variants are reported in 1-2% of presumably healthy individuals, but occur more frequently in exons with low PSI values (Roberts et al. 2015. PMID: 25589632; Herman et al. 2012. PMID: 22335739). This variant is reported in 0.00089% of alleles in individuals of European (Non-Finnish) descent in gnomAD. This variant is reported as likely pathogenic for autosomal recessive TTN-related conditions, but remains a variant of uncertain significance with respect to autosomal dominant TTN-related disorders.

Literature cited by the submitters: PubMed 28424332 (cited by Labcorp Genetics (formerly Invitae), Labcorp); PubMed 25589632 (cited by Labcorp Genetics (formerly Invitae), Labcorp); PubMed 23975875 (cited by Labcorp Genetics (formerly Invitae), Labcorp); PubMed 27869827 (cited by Labcorp Genetics (formerly Invitae), Labcorp); PubMed 32964742 (cited by Labcorp Genetics (formerly Invitae), Labcorp).

NM_001267550.2(TTN):c.22789_22790del (p.Met7597fs)

Gene: TTN (titin; minus strand). Cytogenetic location: 2q31.2.
Variant type: Deletion.
Coding change: c.22789_22790del on transcript NM_001267550.2 (MANE Select); coding-DNA positions 22789 to 22790, 2 bases deleted (AT; older notation c.22789_22790delAT).
Protein change: p.Met7597fs; shifts the reading frame from methionine 7597.
Molecular consequence: frameshift variant. On other transcripts: intron variant (3).
Genome position (GRCh38, 1-based): chr2:178,721,873-178,721,874, AT deleted on the plus strand (AT on the coding strand, the reverse complement: TTN is on the minus strand). VCF-style (leftmost placement, unchanged base first): chr2-178721872-CAT-C. GRCh37 (hg19) VCF-style: chr2-179586599-CAT-C.
Other names: c.22789_22790delAT (NM_001267550.2); c.21838_21839del, p.Met7280fs (NM_001256850.1); c.19057_19058del, p.Met6353fs (NM_133378.4); c.13282+16208_13282+16209del (NM_003319.4); c.13858+16208_13858+16209del (NM_133437.4); c.13657+16208_13657+16209del (NM_133432.3); short protein forms M6353fs, M7280fs, M7597fs.
Identifiers: ClinVar variation 1502994 (VCV001502994.8), dbSNP rs1211248610, ClinGen allele CA538437586.